The following is an entry in ClinVar:

NM_000238.4(KCNH2):c.2277G>T (p.Lys759Asn)

Gene: KCNH2 (potassium voltage-gated channel subfamily H member 2; minus strand). Cytogenetic location: 7q36.1.
Variant type: single nucleotide variant.
Coding change: c.2277G>T on transcript NM_000238.4 (MANE Select); coding-DNA position 2277, G replaced by T.
Protein change: p.Lys759Asn; replaces lysine 759 with asparagine.
Molecular consequence: missense variant. On other transcripts: non-coding transcript variant (2).
Genome position (GRCh38, 1-based): chr7:150,950,289, C>A on the plus strand (G>T on the coding strand, the complement: KCNH2 is on the minus strand). VCF-style: chr7-150950289-C-A. GRCh37 (hg19) VCF-style: chr7-150647377-C-A.
Other names: c.1257G>T, p.Lys419Asn (NM_001204798.2, NM_172057.3); c.1989G>T, p.Lys663Asn (NM_001406753.1, NM_001406756.1); c.2100G>T, p.Lys700Asn (NM_001406755.1); c.1977G>T, p.Lys659Asn (NM_001406757.1); c.2277G>T, p.Lys759Asn (NM_172056.3); short protein forms K419N, K659N, K700N, K663N, K759N.
Identifiers: ClinVar variation 4730911 (VCV004730911.1).

ClinVar aggregate classification (germline): Uncertain significance (1 of 4 stars; one submission).

Conditions:
Long QT syndrome (LQTS). Identifiers: MedGen C0023976, MeSH D008133, MONDO:0002442. Disease mechanism: loss of function. Inheritance: Various modes of inheritance.

Submission:

Labcorp Genetics (formerly Invitae), Labcorp
Classification: Uncertain significance for Long QT syndrome. Last evaluated: 2025-11-10. Review status: criteria provided, single submitter. Criteria: Invitae Variant Classification Sherloc (09022015). Collection method: clinical testing. Allele origin: germline.
Comment: This sequence change replaces lysine, which is basic and polar, with asparagine, which is neutral and polar, at codon 759 of the KCNH2 protein (p.Lys759Asn). This variant is present in population databases (no rsID available, gnomAD 0.003%). This variant has not been reported in the literature in individuals affected with KCNH2-related conditions. An algorithm developed to predict the effect of missense changes on protein structure and function (PolyPhen-2) suggests that this variant is likely to be tolerated. In summary, the available evidence is currently insufficient to determine the role of this variant in disease. Therefore, it has been classified as a Variant of Uncertain Significance.